The following is an entry in ClinVar:

ClinVar aggregate classification (germline): Uncertain significance (1 of 4 stars; one submission).

Allele frequency attached by ClinVar (database versions not stated): gnomAD exomes 0.00001.
gnomAD v4.1: 7 of 1,592,644 alleles (0.00044%); highest among the groups gnomAD compares: Middle Eastern, 0.017%; no homozygotes.

Submission:

Labcorp Genetics (formerly Invitae), Labcorp
Classification: Uncertain significance. Last evaluated: 2025-06-16. Review status: criteria provided, single submitter. Criteria: Invitae Variant Classification Sherloc (09022015). Collection method: clinical testing. Allele origin: germline.
Comment: This sequence change falls in intron 5 of the WDR1 gene. It does not directly change the encoded amino acid sequence of the WDR1 protein. It affects a nucleotide within the consensus splice site. The frequency data for this variant in the population databases is considered unreliable, as metrics indicate poor data quality at this position in the gnomAD database. This variant has not been reported in the literature in individuals affected with WDR1-related conditions. ClinVar contains an entry for this variant (Variation ID: 1943725). Variants that disrupt the consensus splice site are a relatively common cause of aberrant splicing (PMID: 17576681, 9536098). Algorithms developed to predict the effect of sequence changes on RNA splicing suggest that this variant is not likely to affect RNA splicing. In summary, the available evidence is currently insufficient to determine the role of this variant in disease. Therefore, it has been classified as a Variant of Uncertain Significance.

Literature cited by the submitters: PubMed 17576681; PubMed 9536098.

NM_017491.5(WDR1):c.559-3C>T

Gene: WDR1 (WD repeat domain 1; minus strand). Cytogenetic location: 4p16.1.
Variant type: single nucleotide variant.
Coding change: c.559-3C>T on transcript NM_017491.5 (MANE Select); 3 bases into the intron before coding-DNA position 559, C replaced by T.
Molecular consequence: intron variant.
Genome position (GRCh38, 1-based): chr4:10,088,744, G>A on the plus strand (C>T on the coding strand, the complement: WDR1 is on the minus strand). VCF-style: chr4-10088744-G-A. GRCh37 (hg19) VCF-style: chr4-10090368-G-A.
Other names: c.139-3C>T (NM_005112.5).
Identifiers: ClinVar variation 1943725 (VCV001943725.5), dbSNP rs1417007574, ClinGen allele CA549579980.
Genomic context (GRCh38, chr4:10,088,744, plus strand): 5'-TGGCAAATCTGTTCCCATCAGGAGAGAATCGCACACAGTTGACAAAGCGGCTGTGGTCCT[G>A]CAGGAAAACAATTACCTGCCTGATGAGGGGCCGCAGGCCTGACTCTAGGTTCAAGAATGC-3'